The following is an entry in ClinVar:

NM_001127222.2(CACNA1A):c.831del (p.Ala278fs)

Gene: CACNA1A (calcium voltage-gated channel subunit alpha1 A; minus strand). Cytogenetic location: 19p13.13.
Variant type: Deletion.
Coding change: c.831del on transcript NM_001127222.2 (MANE Select); coding-DNA position 831, one base deleted (C; older notation c.831delC).
Protein change: p.Ala278fs; shifts the reading frame from alanine 278.
Molecular consequence: frameshift variant.
Genome position (GRCh38, 1-based): chr19:13,359,753, G deleted on the plus strand (C on the coding strand, the reverse complement: CACNA1A is on the minus strand); the first of 3 consecutive G bases (chr19:13,359,753-13,359,755); deleting any one gives the same sequence. VCF-style (leftmost placement, unchanged base first): chr19-13359752-CG-C. GRCh37 (hg19) VCF-style: chr19-13470566-CG-C.
Other names: c.831del, p.Ala278fs (NM_000068.4, NM_001127221.2, NM_001174080.2 and 1 more transcripts); short protein forms A278fs.
Identifiers: ClinVar variation 3756729 (VCV003756729.2).
Genomic context (GRCh38, chr19:13,359,752, plus strand): 5'-TCCCGTTGTTGGGCCCTTCCCAGTAGGGCTGACATTTGGTCCCATTGGGGCAGGTGCGGG[CG>C]GGCTCTTCTGTCCCACATGGAGCCGGAGACTCACCCTGAATGTCATCTACAAAAGGGAAG-3'

ClinVar aggregate classification (germline): Pathogenic (1 of 4 stars; one submission).

Conditions:
Episodic ataxia type 2 (EA2). Also called: ATAXIA, EPISODIC, WITH NYSTAGMUS; ATAXIA, FAMILIAL PAROXYSMAL; ACETAZOLAMIDE-RESPONSIVE HEREDITARY PAROXYSMAL CEREBELLAR ATAXIA; CEREBELLAR ATAXIA, PAROXYSMAL, ACETAZOLAMIDE-RESPONSIVE; CEREBELLOPATHY, HEREDITARY PAROXYSMAL; EPISODIC ATAXIA, NYSTAGMUS-ASSOCIATED. Identifiers: Orphanet 97, MedGen C1720416, MONDO:0007163, OMIM 108500.
Developmental and epileptic encephalopathy, 42 (DEE42A). Also called: Epileptic encephalopathy, early infantile, 42; DEVELOPMENTAL AND EPILEPTIC ENCEPHALOPATHY 42A; EPILEPTIC ENCEPHALOPATHY, EARLY INFANTILE, 42A. Identifiers: MedGen C4310716, MONDO:0014917, OMIM 617106.

Submission:

Labcorp Genetics (formerly Invitae), Labcorp
Classification: Pathogenic for Developmental and epileptic encephalopathy, 42; Episodic ataxia type 2. Last evaluated: 2024-06-08. Review status: criteria provided, single submitter. Criteria: Invitae Variant Classification Sherloc (09022015). Collection method: clinical testing. Allele origin: germline.
Comment: This sequence change creates a premature translational stop signal (p.Ala278Profs*32) in the CACNA1A gene. It is expected to result in an absent or disrupted protein product. Loss-of-function variants in CACNA1A are known to be pathogenic (PMID: 10371528, 19486177, 25735478, 27250579). This variant is not present in population databases (gnomAD no frequency). This variant has not been reported in the literature in individuals affected with CACNA1A-related conditions. For these reasons, this variant has been classified as Pathogenic.

Literature cited by the submitters: PubMed 10371528; PubMed 19486177; PubMed 25735478; PubMed 27250579.